The following is an entry in ClinVar:

NM_001100913.3(PACS2):c.649G>T (p.Val217Leu)

Gene: PACS2 (phosphofurin acidic cluster sorting protein 2; plus strand). Cytogenetic location: 14q32.33.
Variant type: single nucleotide variant.
Coding change: c.649G>T on transcript NM_001100913.3 (MANE Select); coding-DNA position 649, G replaced by T.
Protein change: p.Val217Leu; replaces valine 217 with leucine.
Molecular consequence: missense variant.
Genome position (GRCh38, 1-based): chr14:105,368,136, G>T. VCF-style: chr14-105368136-G-T. GRCh37 (hg19) VCF-style: chr14-105834473-G-T.
Other names: c.448G>T, p.Val150Leu (NM_001243127.3); c.649G>T, p.Val217Leu (NM_015197.4); short protein forms V217L, V150L.
Identifiers: ClinVar variation 2961375 (VCV002961375.4), dbSNP rs147003362, ClinGen allele CA266565386.

ClinVar aggregate classification (germline): Uncertain significance. Review status: criteria provided, multiple submitters, no conflicts (2 of 4 stars). 2 submissions from 2 submitters: Uncertain significance (2). Last evaluated 2024-07-09.

Allele frequency attached by ClinVar (database versions not stated): ESP Exome Variant Server 0.00008.

Submissions (2):

Greenwood Genetic Center Diagnostic Laboratories, Greenwood Genetic Center
Classification: Uncertain significance. Last evaluated: 2024-07-09. Review status: criteria provided, single submitter. Criteria: ACMG Guidelines, 2015. Collection method: clinical testing. Allele origin: germline. Affected: yes.
Comment: PM2, BP4

Labcorp Genetics (formerly Invitae), Labcorp
Classification: Uncertain significance. Last evaluated: 2023-08-16. Review status: criteria provided, single submitter. Criteria: Invitae Variant Classification Sherloc (09022015). Collection method: clinical testing. Allele origin: germline.
Comment: In summary, the available evidence is currently insufficient to determine the role of this variant in disease. Therefore, it has been classified as a Variant of Uncertain Significance. An algorithm developed to predict the effect of missense changes on protein structure and function (PolyPhen-2) suggests that this variant is likely to be tolerated. This variant has not been reported in the literature in individuals affected with PACS2-related conditions. This variant is not present in population databases (gnomAD no frequency). This sequence change replaces valine, which is neutral and non-polar, with leucine, which is neutral and non-polar, at codon 217 of the PACS2 protein (p.Val217Leu).